The following is an entry in ClinVar:

NM_032043.3(BRIP1):c.1553T>A (p.Val518Asp)

Gene: BRIP1 (BRCA1 interacting DNA helicase 1; minus strand). Cytogenetic location: 17q23.2.
Variant type: single nucleotide variant.
Coding change: c.1553T>A on transcript NM_032043.3 (MANE Select); coding-DNA position 1553, T replaced by A.
Protein change: p.Val518Asp; replaces valine 518 with aspartic acid.
Molecular consequence: missense variant.
Genome position (GRCh38, 1-based): chr17:61,784,345, A>T on the plus strand (T>A on the coding strand, the complement: BRIP1 is on the minus strand). VCF-style: chr17-61784345-A-T. GRCh37 (hg19) VCF-style: chr17-59861706-A-T.
Other names: short protein forms V518D.
Identifiers: ClinVar variation 479442 (VCV000479442.14), dbSNP rs1555603541, ClinGen allele CA400481186.

ClinVar aggregate classification (germline): Uncertain significance. Review status: criteria provided, multiple submitters, no conflicts (2 of 4 stars). 4 submissions from 4 submitters: Uncertain significance (4). Last evaluated 2024-04-20.

Conditions:
Familial ovarian cancer. Identifiers: MedGen C5679802, MONDO:0016248.
Hereditary cancer-predisposing syndrome. Also called: Tumor predisposition; Neoplastic Syndromes, Hereditary; Hereditary Cancer Syndrome; Hereditary neoplastic syndrome. Identifiers: Orphanet 140162, MedGen C0027672, MeSH D009386, MONDO:0015356.
Fanconi anemia complementation group J. Also called: BRIP1-Related Fanconi Anemia. Identifiers: Orphanet 84, MedGen C1836860, MONDO:0012187, OMIM 609054.
Familial cancer of breast. Also called: BREAST CANCER, FAMILIAL; Hereditary breast cancer; hereditary breast carcinoma. Identifiers: Orphanet 227535, MedGen C0346153, MONDO:0016419, OMIM 114480. Disease mechanism: loss of function.

Allele frequency attached by ClinVar (database versions not stated): gnomAD exomes below 0.00001.
gnomAD v4.1: 4 of 1,613,166 alleles (0.00025%); highest among the groups gnomAD compares: Non-Finnish European, 0.00034%; no homozygotes.

Submissions (4):

Molecular Pathology, Peter Maccallum Cancer Centre
Classification: Uncertain significance for Familial ovarian cancer. Last evaluated: 2024-04-20. Review status: criteria provided, single submitter. Criteria: ACMG Guidelines, 2015. Collection method: clinical testing. Allele origin: germline. Inheritance: Autosomal dominant inheritance.

Ambry Genetics
Classification: Uncertain significance for Hereditary cancer-predisposing syndrome. Last evaluated: 2024-02-22. Review status: criteria provided, single submitter. Criteria: Ambry Variant Classification Scheme 2023. Collection method: clinical testing. Allele origin: germline.
Comment: The p.V518D variant (also known as c.1553T>A), located in coding exon 10 of the BRIP1 gene, results from a T to A substitution at nucleotide position 1553. The valine at codon 518 is replaced by aspartic acid, an amino acid with highly dissimilar properties. This amino acid position is poorly conserved in available vertebrate species. In addition, this alteration is predicted to be tolerated by in silico analysis. Based on the available evidence, the clinical significance of this alteration remains unclear.

Department of Pathology and Laboratory Medicine, Sinai Health System
Classification: Uncertain significance for Familial cancer of breast. Last evaluated: 2022-10-03. Review status: criteria provided, single submitter. Criteria: ACMG Guidelines, 2015. Collection method: clinical testing. Allele origin: germline. Affected: yes.

Labcorp Genetics (formerly Invitae), Labcorp
Classification: Uncertain significance for Familial cancer of breast; Fanconi anemia complementation group J. Last evaluated: 2021-08-27. Review status: criteria provided, single submitter. Criteria: Invitae Variant Classification Sherloc (09022015). Collection method: clinical testing. Allele origin: germline.
Comment: This sequence change replaces valine with aspartic acid at codon 518 of the BRIP1 protein (p.Val518Asp). The valine residue is weakly conserved and there is a large physicochemical difference between valine and aspartic acid. This variant is not present in population databases (ExAC no frequency). This variant has not been reported in the literature in individuals affected with BRIP1-related conditions. ClinVar contains an entry for this variant (Variation ID: 479442). Algorithms developed to predict the effect of missense changes on protein structure and function are either unavailable or do not agree on the potential impact of this missense change (SIFT: "Deleterious"; PolyPhen-2: "Possibly Damaging"; Align-GVGD: "Class C0"). In summary, the available evidence is currently insufficient to determine the role of this variant in disease. Therefore, it has been classified as a Variant of Uncertain Significance.